The following is an entry in ClinVar:

ClinVar aggregate classification (germline): Likely benign. Review status: criteria provided, multiple submitters, no conflicts (2 of 4 stars). 3 submissions from 3 submitters: Likely benign (3). Last evaluated 2024-01-01.

Conditions:
Hereditary cancer-predisposing syndrome. Also called: Neoplastic Syndromes, Hereditary; Hereditary neoplastic syndrome; Tumor predisposition; Hereditary Cancer Syndrome. Identifiers: Orphanet 140162, MedGen C0027672, MeSH D009386, MONDO:0015356.
Microcephaly, normal intelligence and immunodeficiency (NBS). Also called: BERLIN BREAKAGE SYNDROME; Immunodeficiency, microcephaly with normal intelligence; Nijmegen breakage syndrome; Microcephaly with normal intelligence immunodeficiency and lymphoreticular malignancies; Nonsyndromal microcephaly autosomal recessive with normal intelligence; Seemanova syndrome 2. Identifiers: Orphanet 647, MedGen C0398791, MONDO:0009623, OMIM 251260.

Allele frequency attached by ClinVar (database versions not stated): gnomAD exomes below 0.00001; TOPMed below 0.00001.
gnomAD v4.1: 2 of 1,613,754 alleles (0.00012%); highest among the groups gnomAD compares: South Asian, 0.0022%; no homozygotes.

Submissions (3):

Ambry Genetics
Classification: Likely benign for Hereditary cancer-predisposing syndrome. Last evaluated: 2024-01-01. Review status: criteria provided, single submitter. Criteria: Ambry Variant Classification Scheme 2023. Collection method: clinical testing. Allele origin: germline.

Labcorp Genetics (formerly Invitae), Labcorp
Classification: Likely benign for Microcephaly, normal intelligence and immunodeficiency. Last evaluated: 2022-11-15. Review status: criteria provided, single submitter. Criteria: Invitae Variant Classification Sherloc (09022015). Collection method: clinical testing. Allele origin: germline.

GeneDx
Classification: Likely benign. Last evaluated: 2016-03-06. Review status: criteria provided, single submitter. Criteria: GeneDx Variant Classification (06012015). Collection method: clinical testing. Allele origin: germline. Affected: yes.
Comment: This variant is considered likely benign or benign based on one or more of the following criteria: it is a conservative change, it occurs at a poorly conserved position in the protein, it is predicted to be benign by multiple in silico algorithms, and/or has population frequency not consistent with disease.

NM_002485.5(NBN):c.1587A>G (p.Lys529=)

Gene: NBN (nibrin; minus strand). Cytogenetic location: 8q21.3.
Variant type: single nucleotide variant.
Coding change: c.1587A>G on transcript NM_002485.5 (MANE Select); coding-DNA position 1587, A replaced by G.
Protein change: p.Lys529=; no amino-acid change (lysine 529 retained).
Molecular consequence: synonymous variant.
Genome position (GRCh38, 1-based): chr8:89,953,502, T>C on the plus strand (A>G on the coding strand, the complement: NBN is on the minus strand). VCF-style: chr8-89953502-T-C. GRCh37 (hg19) VCF-style: chr8-90965730-T-C.
Other names: c.1341A>G, p.Lys447= (NM_001024688.3).
Identifiers: ClinVar variation 384530 (VCV000384530.10), dbSNP rs1057521983, ClinGen allele CA16605510.